The following is an entry in ClinVar:

NM_000043.6(FAS):c.661del (p.Ala221fs)

Gene: FAS (Fas cell surface death receptor; plus strand). Cytogenetic location: 10q23.31.
Variant type: Deletion.
Coding change: c.661del on transcript NM_000043.6 (MANE Select); coding-DNA position 661, one base deleted (G; older notation c.661delG).
Protein change: p.Ala221fs; shifts the reading frame from alanine 221.
Molecular consequence: frameshift variant. On other transcripts: non-coding transcript variant (7), intron variant (1).
Genome position (GRCh38, 1-based): chr10:89,013,352, G deleted; the last of 2 consecutive G bases (chr10:89,013,351-89,013,352); deleting either gives the same sequence. VCF-style (leftmost placement, unchanged base first): chr10-89013350-TG-T. GRCh37 (hg19) VCF-style: chr10-90773107-TG-T.
Other names: c.578del, p.Gly193fs (NM_001320619.2); c.598del, p.Ala200fs (NM_152871.4); c.652-767del (NM_152872.4); short protein forms A200fs, G193fs, A221fs.
Identifiers: ClinVar variation 426443 (VCV000426443.2), dbSNP rs1085307626, ClinGen allele CA645293882.

ClinVar aggregate classification (germline): Likely pathogenic (1 of 4 stars; one submission).

Submission:

GeneDx
Classification: Likely pathogenic. Last evaluated: 2017-04-17. Review status: criteria provided, single submitter. Criteria: GeneDx Variant Classification (06012015). Collection method: clinical testing. Allele origin: germline. Affected: yes.
Comment: The c.661delG variant has not been published as a pathogenic variant, nor has it been reported as a benign variant to our knowledge. The variant causes a frameshift starting with codon Alanine 221, changes this amino acid to a Glutamine residue and creates a premature Stop codon at position 2 of the new reading frame, denoted p.Ala221GlnfsX2. This variant is predicted to cause loss of normal protein function through protein truncation; however, it is not predicted to result in nonsense-mediated decay. The variant is not observed in large population cohorts (Lek et al., 2016; 1000 Genomes Consortium et al., 2015; Exome Variant Server). In summary, we consider this variant to be likely pathogenic.